The following is an entry in ClinVar:

NM_001287.6(CLCN7):c.149G>A (p.Arg50His)

Gene: CLCN7 (chloride voltage-gated channel 7; minus strand). Cytogenetic location: 16p13.3.
Variant type: single nucleotide variant.
Coding change: c.149G>A on transcript NM_001287.6 (MANE Select); coding-DNA position 149, G replaced by A.
Protein change: p.Arg50His; replaces arginine 50 with histidine.
Molecular consequence: missense variant. On other transcripts: intron variant (1).
Genome position (GRCh38, 1-based): chr16:1,465,331, C>T on the plus strand (G>A on the coding strand, the complement: CLCN7 is on the minus strand). VCF-style: chr16-1465331-C-T. GRCh37 (hg19) VCF-style: chr16-1515332-C-T.
Other names: c.142-3657G>A (NM_001114331.3); short protein forms R50H.
Identifiers: ClinVar variation 1494817 (VCV001494817.6), dbSNP rs760707771, ClinGen allele CA7810915.

ClinVar aggregate classification (germline): Uncertain significance (1 of 4 stars; one submission).

Allele frequency attached by ClinVar (database versions not stated): gnomAD 0.00003; gnomAD exomes 0.00006.
gnomAD v4.1: 94 of 1,613,318 alleles (0.0058%); highest among the groups gnomAD compares: Non-Finnish European, 0.0075%; no homozygotes.

Submission:

Labcorp Genetics (formerly Invitae), Labcorp
Classification: Uncertain significance. Last evaluated: 2025-02-03. Review status: criteria provided, single submitter. Criteria: Invitae Variant Classification Sherloc (09022015). Collection method: clinical testing. Allele origin: germline.
Comment: This sequence change replaces arginine, which is basic and polar, with histidine, which is basic and polar, at codon 50 of the CLCN7 protein (p.Arg50His). The frequency data for this variant in the population databases is considered unreliable, as metrics indicate poor data quality at this position in the gnomAD database. This variant has not been reported in the literature in individuals affected with CLCN7-related conditions. ClinVar contains an entry for this variant (Variation ID: 1494817). Invitae Evidence Modeling of protein sequence and biophysical properties (such as structural, functional, and spatial information, amino acid conservation, physicochemical variation, residue mobility, and thermodynamic stability) indicates that this missense variant is not expected to disrupt CLCN7 protein function with a negative predictive value of 95%. In summary, the available evidence is currently insufficient to determine the role of this variant in disease. Therefore, it has been classified as a Variant of Uncertain Significance.